The following is an entry in ClinVar:

NM_000057.4(BLM):c.2102T>G (p.Leu701Arg)

Gene: BLM (BLM RecQ like helicase; plus strand). Cytogenetic location: 15q26.1.
Variant type: single nucleotide variant.
Coding change: c.2102T>G on transcript NM_000057.4 (MANE Select); coding-DNA position 2102, T replaced by G.
Protein change: p.Leu701Arg; replaces leucine 701 with arginine.
Molecular consequence: missense variant.
Genome position (GRCh38, 1-based): chr15:90,765,323, T>G. VCF-style: chr15-90765323-T-G. GRCh37 (hg19) VCF-style: chr15-91308553-T-G.
Other names: c.2102T>G, p.Leu701Arg (NM_001287246.2, NM_001287247.2); c.977T>G, p.Leu326Arg (NM_001287248.2); short protein forms L326R, L701R.
Identifiers: ClinVar variation 1497346 (VCV001497346.6), dbSNP rs759414733, ClinGen allele CA274740685.

ClinVar aggregate classification (germline): Uncertain significance (1 of 4 stars; one submission).

Conditions:
Bloom syndrome (BLM). Also called: Bloom-Torre-Machacek syndrome. Identifiers: Orphanet 125, MedGen C0005859, MONDO:0008876, OMIM 210900.

Allele frequency attached by ClinVar (database versions not stated): gnomAD exomes below 0.00001.
gnomAD v4.1: 2 of 1,613,438 alleles (0.00012%); highest among the groups gnomAD compares: Non-Finnish European, 0.00017%; no homozygotes.

Submission:

Labcorp Genetics (formerly Invitae), Labcorp
Classification: Uncertain significance for Bloom syndrome. Last evaluated: 2021-08-06. Review status: criteria provided, single submitter. Criteria: Invitae Variant Classification Sherloc (09022015). Collection method: clinical testing. Allele origin: germline.
Comment: This sequence change replaces leucine with arginine at codon 701 of the BLM protein (p.Leu701Arg). The leucine residue is highly conserved and there is a moderate physicochemical difference between leucine and arginine. This variant is not present in population databases (ExAC no frequency). This variant has not been reported in the literature in individuals affected with BLM-related conditions. Algorithms developed to predict the effect of missense changes on protein structure and function are either unavailable or do not agree on the potential impact of this missense change (SIFT: "Deleterious"; PolyPhen-2: "Probably Damaging"; Align-GVGD: "Class C0"). In summary, the available evidence is currently insufficient to determine the role of this variant in disease. Therefore, it has been classified as a Variant of Uncertain Significance.